The following is an entry in ClinVar:

ClinVar aggregate classification (germline): Pathogenic (1 of 4 stars; one submission).

Conditions:
Progressive myoclonic epilepsy type 3. Also called: EPILEPSY, PROGRESSIVE MYOCLONIC, 3, WITHOUT INTRACELLULAR INCLUSIONS; KCTD7-Related Progressive Myoclonic Epilepsy; EPILEPSY, PROGRESSIVE MYOCLONIC, 3, WITH OR WITHOUT INTRACELLULAR INCLUSIONS; CEROID LIPOFUSCINOSIS, NEURONAL, 14. Identifiers: Orphanet 263516, MedGen C2673257, MONDO:0012721, OMIM 611726.

Submission:

Labcorp Genetics (formerly Invitae), Labcorp
Classification: Pathogenic for Progressive myoclonic epilepsy type 3. Last evaluated: 2023-10-12. Review status: criteria provided, single submitter. Criteria: Invitae Variant Classification Sherloc (09022015). Collection method: clinical testing. Allele origin: germline.
Comment: This variant is a gross deletion of the genomic region encompassing exon(s) 3-4 of the KCTD7 gene, which includes the termination codon. This deletion extends beyond the assayed region for this gene and therefore may encompass additional genes. While this deletion is not anticipated to lead to nonsense mediated decay, it is expected to alter mRNA translation or result in a truncated protein product. A similar copy number variant has been observed in individual(s) with opsoclonus-myoclonus ataxia-like syndrome (PMID: 22638565). This variant disrupts a region of the KCTD7 protein in which other variant(s) (p.Ile199Serfs*74, p.Phe232Leufs*41) have been determined to be pathogenic (PMID: 22693283, 27742667). This suggests that this is a clinically significant region of the protein, and that variants that disrupt it are likely to be disease-causing. For these reasons, this variant has been classified as Pathogenic.

Literature cited by the submitters: PubMed 22638565; PubMed 22693283; PubMed 27742667.

NC_000007.13:g.(?_66103220)_(66104219_?)del

Gene: KCTD7 (potassium channel tetramerization domain containing 7; plus strand). Cytogenetic location: 7q11.21.
Variant type: Deletion.
Identifiers: ClinVar variation 1452016 (VCV001452016.6).